The following is an entry in ClinVar:

NM_032322.4(RNF135):c.691_710dup (p.Cys238fs)

Gene: RNF135 (ring finger protein 135; plus strand). Cytogenetic location: 17q11.2.
Variant type: Duplication.
Coding change: c.691_710dup on transcript NM_032322.4 (MANE Select); coding-DNA positions 691 to 710, 20 bases duplicated (GAAGCCCCGTCTTCCTCCTC).
Protein change: p.Cys238fs; shifts the reading frame from cysteine 238.
Molecular consequence: frameshift variant.
Genome position (GRCh38, 1-based): chr17:30,997,253-30,997,272, GAAGCCCCGTCTTCCTCCTC duplicated. VCF-style (leftmost placement, unchanged base first): chr17-30997252-G-GGAAGCCCCGTCTTCCTCCTC. GRCh37 (hg19) VCF-style: chr17-29324270-G-GGAAGCCCCGTCTTCCTCCTC.
Other names: c.756_775dup, p.His259fs (NM_001184992.2); c.528_547dup, p.His183fs (NM_197939.2); short protein forms C238fs, H183fs, H259fs.
Identifiers: ClinVar variation 1326767 (VCV001326767.3), dbSNP rs2142735696, ClinGen allele CA2573054365.

ClinVar aggregate classification (germline): Uncertain significance (1 of 4 stars; one submission).

Submission:

GeneDx
Classification: Uncertain significance. Last evaluated: 2024-06-06. Review status: criteria provided, single submitter. Criteria: GeneDx Variant Classification Process June 2021. Collection method: clinical testing. Allele origin: germline. Affected: yes.
Comment: Not observed at significant frequency in large population cohorts (gnomAD); Frameshift variant predicted to result in protein truncation as the last 195 amino acids are replaced with 34 different amino acids, although loss-of-function variants have not been reported downstream of this position in the protein; Has not been previously published as pathogenic or benign to our knowledge; Variants in candidate genes are classified as variants of uncertain significance in accordance with ACMG guidelines (PMID: 25741868)